The following is an entry in ClinVar:

ClinVar aggregate classification (germline): Uncertain significance (1 of 4 stars; one submission).

Submission:

GeneDx
Classification: Uncertain significance. Last evaluated: 2026-10-01. Review status: criteria provided, single submitter. Criteria: GeneDx Variant Classification Process June 2021. Collection method: clinical testing. Allele origin: germline.
Comment: Not observed at significant frequency in large population cohorts (gnomAD); In silico analysis supports that this missense variant has a deleterious effect on protein structure/function; Has not been previously published as pathogenic or benign to our knowledge

NM_198173.3(GRHL3):c.589A>C (p.Thr197Pro)

Gene: GRHL3 (grainyhead like transcription factor 3; plus strand). Cytogenetic location: 1p36.11.
Variant type: single nucleotide variant.
Coding change: c.589A>C on transcript NM_198173.3 (MANE Select); coding-DNA position 589, A replaced by C.
Protein change: p.Thr197Pro; replaces threonine 197 with proline.
Molecular consequence: missense variant.
Genome position (GRCh38, 1-based): chr1:24,336,804, A>C. VCF-style: chr1-24336804-A-C. GRCh37 (hg19) VCF-style: chr1-24663294-A-C.
Other names: c.451A>C, p.Thr151Pro (NM_001195010.2); c.604A>C, p.Thr202Pro (NM_021180.4); c.589A>C, p.Thr197Pro (NM_198174.3); short protein forms T151P, T197P, T202P.
Identifiers: ClinVar variation 3368329 (VCV003368329.2).